The following is an entry in ClinVar:

ClinVar aggregate classification (germline): Pathogenic. Review status: criteria provided, multiple submitters, no conflicts (2 of 4 stars). 3 submissions from 3 submitters: Pathogenic (3). Last evaluated 2024-03-18.

Conditions:
3M syndrome 2. Also called: 3-M Syndrome, OBSL1-Related; THREE M SYNDROME 2. Identifiers: Orphanet 2616, MedGen C2752041, MONDO:0013039, OMIM 612921.

Allele frequency attached by ClinVar (database versions not stated): TOPMed below 0.00001; gnomAD 0.00001; gnomAD exomes 0.00002.
gnomAD v4.1: 33 of 1,613,686 alleles (0.002%); highest among the groups gnomAD compares: Non-Finnish European, 0.0027%; no homozygotes.

Submissions (3):

Fulgent Genetics
Classification: Pathogenic for 3M syndrome 2. Last evaluated: 2024-03-18. Review status: criteria provided, single submitter. Criteria: ACMG Guidelines, 2015. Collection method: clinical testing. Allele origin: germline.

Labcorp Genetics (formerly Invitae), Labcorp
Classification: Pathogenic. Last evaluated: 2022-02-11. Review status: criteria provided, single submitter. Criteria: Invitae Variant Classification Sherloc (09022015). Collection method: clinical testing. Allele origin: germline.
Comment: For these reasons, this variant has been classified as Pathogenic. ClinVar contains an entry for this variant (Variation ID: 429882). This premature translational stop signal has been observed in individual(s) with 3-M syndrome (PMID: 19877176). This variant is not present in population databases (gnomAD no frequency). This sequence change creates a premature translational stop signal (p.Gln678*) in the OBSL1 gene. It is expected to result in an absent or disrupted protein product. Loss-of-function variants in OBSL1 are known to be pathogenic (PMID: 19481195, 19877176).

GeneDx
Classification: Pathogenic. Last evaluated: 2015-10-28. Review status: criteria provided, single submitter. Criteria: GeneDx Variant Classification (06012015). Collection method: clinical testing. Allele origin: germline. Affected: yes.
Comment: The Q678X pathogenic variant in the OBSL1 gene has been reported previously in association with 3-M syndrome(Huber et al., 2010). This variant is predicted to cause loss of normal protein function either through proteintruncation or nonsense-mediated mRNA decay. The Q678X variant was not observed in approximately 6200individuals of European and African American ancestry in the NHLBI Exome Sequencing Project, indicating it is nota common benign variant in these populations. We interpret Q678X as a pathogenic variant.

Literature cited by the submitters: PubMed 19877176 (cited by Labcorp Genetics (formerly Invitae), Labcorp); PubMed 19481195 (cited by Labcorp Genetics (formerly Invitae), Labcorp).

NM_015311.3(OBSL1):c.2032C>T (p.Gln678Ter)

Gene: OBSL1 (obscurin like cytoskeletal adaptor 1; minus strand). Cytogenetic location: 2q35.
Variant type: single nucleotide variant.
Coding change: c.2032C>T on transcript NM_015311.3 (MANE Select); coding-DNA position 2032, C replaced by T.
Protein change: p.Gln678Ter; replaces glutamine 678 with a stop codon.
Molecular consequence: nonsense.
Genome position (GRCh38, 1-based): chr2:219,566,932, G>A on the plus strand (C>T on the coding strand, the complement: OBSL1 is on the minus strand). VCF-style: chr2-219566932-G-A. GRCh37 (hg19) VCF-style: chr2-220431654-G-A.
Other names: c.2032C>T, p.Gln678Ter (NM_001173408.2, NM_001173431.2); short protein forms Q678*.
Identifiers: ClinVar variation 429882 (VCV000429882.8), dbSNP rs775865076, ClinGen allele CA66035734.